The following is an entry in ClinVar:

ClinVar aggregate classification (germline): Uncertain significance (1 of 4 stars; one submission).

Conditions:
Brugada syndrome 8 (BRGDA8). Identifiers: Orphanet 130, MedGen C2751083, MONDO:0013148, OMIM 613123.

Allele frequency attached by ClinVar (database versions not stated): TOPMed below 0.00001; gnomAD 0.00001; ExAC 0.00014.
gnomAD v4.1: 7 of 1,452,716 alleles (0.00048%); highest among the groups gnomAD compares: East Asian, 0.0048%; no homozygotes.

Submission:

Labcorp Genetics (formerly Invitae), Labcorp
Classification: Uncertain significance for Brugada syndrome 8. Last evaluated: 2024-05-27. Review status: criteria provided, single submitter. Criteria: Invitae Variant Classification Sherloc (09022015). Collection method: clinical testing. Allele origin: germline.
Comment: This sequence change replaces proline, which is neutral and non-polar, with alanine, which is neutral and non-polar, at codon 1035 of the HCN4 protein (p.Pro1035Ala). This variant is present in population databases (rs777117707, gnomAD 0.003%). This variant has not been reported in the literature in individuals affected with HCN4-related conditions. ClinVar contains an entry for this variant (Variation ID: 2045234). Advanced modeling of protein sequence and biophysical properties (such as structural, functional, and spatial information, amino acid conservation, physicochemical variation, residue mobility, and thermodynamic stability) performed at Invitae indicates that this missense variant is not expected to disrupt HCN4 protein function with a negative predictive value of 95%. In summary, the available evidence is currently insufficient to determine the role of this variant in disease. Therefore, it has been classified as a Variant of Uncertain Significance.

NM_005477.3(HCN4):c.3103C>G (p.Pro1035Ala)

Gene: HCN4 (hyperpolarization activated cyclic nucleotide gated potassium channel 4; minus strand). Cytogenetic location: 15q24.1.
Variant type: single nucleotide variant.
Coding change: c.3103C>G on transcript NM_005477.3 (MANE Select); coding-DNA position 3103, C replaced by G.
Protein change: p.Pro1035Ala; replaces proline 1035 with alanine.
Molecular consequence: missense variant.
Genome position (GRCh38, 1-based): chr15:73,322,990, G>C on the plus strand (C>G on the coding strand, the complement: HCN4 is on the minus strand). VCF-style: chr15-73322990-G-C. GRCh37 (hg19) VCF-style: chr15-73615331-G-C.
Other names: short protein forms P1035A.
Identifiers: ClinVar variation 2045234 (VCV002045234.3), dbSNP rs777117707, ClinGen allele CA7648883.